The following is an entry in ClinVar:

ClinVar aggregate classification (germline): Uncertain significance (1 of 4 stars; one submission).

Conditions:
Inborn genetic diseases. Identifiers: MedGen C0950123, MeSH D030342.

Submission:

Ambry Genetics
Classification: Uncertain significance for Inborn genetic diseases. Last evaluated: 2022-05-25. Review status: criteria provided, single submitter. Criteria: Ambry Variant Classification Scheme 2023. Collection method: clinical testing. Allele origin: germline.
Comment: The p.K137N variant (also known as c.411G>T), located in coding exon 4 of the ATR gene, results from a G to T substitution at nucleotide position 411. The lysine at codon 137 is replaced by asparagine, an amino acid with similar properties. This amino acid position is conserved. In addition, this alteration is predicted to be tolerated by in silico analysis. Since supporting evidence is limited at this time, the clinical significance of this alteration remains unclear.

NM_001184.4(ATR):c.411G>T (p.Lys137Asn)

Gene: ATR (ATR checkpoint kinase; minus strand). Cytogenetic location: 3q23.
Variant type: single nucleotide variant.
Coding change: c.411G>T on transcript NM_001184.4 (MANE Select); coding-DNA position 411, G replaced by T.
Protein change: p.Lys137Asn; replaces lysine 137 with asparagine.
Molecular consequence: missense variant.
Genome position (GRCh38, 1-based): chr3:142,562,991, C>A on the plus strand (G>T on the coding strand, the complement: ATR is on the minus strand). VCF-style: chr3-142562991-C-A. GRCh37 (hg19) VCF-style: chr3-142281833-C-A.
Other names: c.411G>T, p.Lys137Asn (NM_001354579.2); short protein forms K137N.
Identifiers: ClinVar variation 1738014 (VCV001738014.2), dbSNP rs2108488646, ClinGen allele CA354827080.